The following is an entry in ClinVar:

NM_006766.5(KAT6A):c.4645G>A (p.Gly1549Ser)

Gene: KAT6A (lysine acetyltransferase 6A; minus strand). Cytogenetic location: 8p11.21.
Variant type: single nucleotide variant.
Coding change: c.4645G>A on transcript NM_006766.5 (MANE Select); coding-DNA position 4645, G replaced by A.
Protein change: p.Gly1549Ser; replaces glycine 1549 with serine.
Molecular consequence: missense variant.
Genome position (GRCh38, 1-based): chr8:41,933,575, C>T on the plus strand (G>A on the coding strand, the complement: KAT6A is on the minus strand). VCF-style: chr8-41933575-C-T. GRCh37 (hg19) VCF-style: chr8-41791093-C-T.
Other names: short protein forms G1549S.
Identifiers: ClinVar variation 419627 (VCV000419627.14), dbSNP rs1064794000, ClinGen allele CA16618636.

ClinVar aggregate classification (germline): Conflicting classifications of pathogenicity. Review status: criteria provided, conflicting classifications (1 of 4 stars). 5 submissions from 5 submitters: Pathogenic (2); Likely pathogenic (2); Uncertain significance (1). Last evaluated 2025-08-18.

Conditions:
Autosomal dominant intellectual disability-craniofacial anomalies-cardiac defects syndrome (ARTHS). Also called: KAT6A syndrome; Mental retardation, autosomal dominant 32; Arboleda-Tham syndrome. Identifiers: Orphanet 457193, MedGen C4225396, MONDO:0014558, OMIM 616268.

Allele frequency attached by ClinVar (database versions not stated): gnomAD exomes below 0.00001.
gnomAD v4.1: 1 of 1,614,116 alleles (0.000062%); highest among the groups gnomAD compares: Non-Finnish European, 0.000085%; no homozygotes.

Submissions (5):

Labcorp Genetics (formerly Invitae), Labcorp
Classification: Pathogenic. Last evaluated: 2025-08-18. Review status: criteria provided, single submitter. Criteria: Invitae Variant Classification Sherloc (09022015). Collection method: clinical testing. Allele origin: germline.
Comment: This sequence change replaces glycine, which is neutral and non-polar, with serine, which is neutral and polar, at codon 1549 of the KAT6A protein (p.Gly1549Ser). This variant is not present in population databases (gnomAD no frequency). This missense change has been observed in individual(s) with neurodevelopmental disorder (PMID: 30245513, 34748993). In at least one individual the variant was observed to be de novo. ClinVar contains an entry for this variant (Variation ID: 419627). Invitae Evidence Modeling of protein sequence and biophysical properties (such as structural, functional, and spatial information, amino acid conservation, physicochemical variation, residue mobility, and thermodynamic stability) has been performed for this missense variant. However, the output from this modeling did not meet the statistical confidence thresholds required to predict the impact of this variant on KAT6A protein function. For these reasons, this variant has been classified as Pathogenic.

GeneDx
Classification: Pathogenic. Last evaluated: 2023-05-02. Review status: criteria provided, single submitter. Criteria: GeneDx Variant Classification Process June 2021. Collection method: clinical testing. Allele origin: germline. Affected: yes.
Comment: Not observed at significant frequency in large population cohorts (gnomAD); In silico analysis supports that this missense variant has a deleterious effect on protein structure/function; This variant is associated with the following publications: (PMID: 28387367, 30245513, 34748993)

3billion
Classification: Likely pathogenic for Autosomal dominant intellectual disability-craniofacial anomalies-cardiac defects syndrome. Last evaluated: 2022-01-03. Review status: criteria provided, single submitter. Criteria: ACMG Guidelines, 2015. Collection method: clinical testing. Allele origin: germline. Affected: yes. Observed: 1 heterozygote.
Comment: Same nucleotide change resulting in same amino acid change has been previously reported to be associated with KAT6A related disorder (ClinVar ID: VCV000419627, PS1_P). The variant has been previously reported as de novo in a similarly affected individual (PMID:30245513, PS2_S). It is not observed in the gnomAD v2.1.1 dataset (PM2_M). Therefore, this variant is classified as likely pathogenic according to the recommendation of ACMG/AMP guideline.

Revvity Omics, Revvity
Classification: Uncertain significance for Autosomal dominant intellectual disability-craniofacial anomalies-cardiac defects syndrome. Last evaluated: 2019-08-16. Review status: criteria provided, single submitter. Criteria: ACMG Guidelines, 2015. Collection method: clinical testing. Allele origin: germline.

Juno Genomics, Hangzhou Juno Genomics, Inc
Classification: Likely pathogenic for Autosomal dominant intellectual disability-craniofacial anomalies-cardiac defects syndrome. Review status: criteria provided, single submitter. Criteria: ACMG Guidelines, 2015. Collection method: clinical testing. Allele origin: germline. Affected: yes.
Comment: Absent from controls (or at extremely low frequency if recessive) in Genome Aggregation Database, Exome Sequencing Project, 1000 Genomes Project, or Exome Aggregation Consortium.;De novo (both maternity and paternity confirmed) in a patient with the disease and no family history.;The prevalence of the variant in affected individuals is significantly increased compared to the prevalence in controls.;Patient's phenotype or family history is highly specific for a disease with a single genetic etiology.

Literature cited by the submitters: PubMed 30245513 (cited by Labcorp Genetics (formerly Invitae), Labcorp and 3billion); PubMed 34748993 (cited by Labcorp Genetics (formerly Invitae), Labcorp).